The following is an entry in ClinVar:

ClinVar aggregate classification (germline): Conflicting classifications of pathogenicity. Review status: criteria provided, conflicting classifications (1 of 4 stars). 2 submissions from 2 submitters: Likely pathogenic (1); Uncertain significance (1). Last evaluated 2024-09-13.

Allele frequency attached by ClinVar (database versions not stated): TOPMed below 0.00001; gnomAD 0.00001; gnomAD exomes 0.00001.
gnomAD v4.1: 13 of 1,613,192 alleles (0.00081%); highest among the groups gnomAD compares: Non-Finnish European, 0.001%; no homozygotes.

Submissions (2):

Blueprint Genetics
Classification: Uncertain significance. Last evaluated: 2024-09-13. Review status: criteria provided, single submitter. Criteria: ACMG Guidelines, 2015. Collection method: clinical testing. Allele origin: germline.

GeneDx
Classification: Likely pathogenic. Last evaluated: 2020-07-10. Review status: criteria provided, single submitter. Criteria: GeneDx Variant Classification Process June 2021. Collection method: clinical testing. Allele origin: germline. Affected: yes.
Comment: Not observed in large population cohorts (Lek et al., 2016); In silico analysis supports that this missense variant has a deleterious effect on protein structure/function; Has not been previously published as pathogenic or benign to our knowledge

NM_001365999.1(SZT2):c.6836A>C (p.Tyr2279Ser)

Gene: SZT2 (SZT2 subunit of KICSTOR complex; plus strand). Cytogenetic location: 1p34.2.
Variant type: single nucleotide variant.
Coding change: c.6836A>C on transcript NM_001365999.1 (MANE Select); coding-DNA position 6836, A replaced by C.
Protein change: p.Tyr2279Ser; replaces tyrosine 2279 with serine.
Molecular consequence: missense variant.
Genome position (GRCh38, 1-based): chr1:43,439,401, A>C. VCF-style: chr1-43439401-A-C. GRCh37 (hg19) VCF-style: chr1-43905072-A-C.
Other names: c.6665A>C, p.Tyr2222Ser (NM_015284.4); short protein forms Y2222S, Y2279S.
Identifiers: ClinVar variation 1185942 (VCV001185942.3), dbSNP rs1368205104, ClinGen allele CA340032374.
Genomic context (GRCh38, chr1:43,439,401, plus strand): 5'-GGCTGTTCTTTCCCCAGCATCCACTCCCACCACAGGGTGGCCTCCCTGACTTGGACATCT[A>C]CTTGTATAACAAGCCTGGTGGACAGGGCACTGGGGGCAAAGGTACGGTGCAGGGCACGGG-3'
Protein context (NP_001352928.1, residues 2269-2289): PQGGLPDLDI[Tyr2279Ser]LYNKPGGQGT